The following is an entry in ClinVar:

NM_001036.6(RYR3):c.14387T>C (p.Ile4796Thr)

Genes: AVEN (apoptosis and caspase activation inhibitor; minus strand), RYR3 (ryanodine receptor 3; plus strand). Cytogenetic location: 15q14.
Variant type: single nucleotide variant.
Coding change: c.14387T>C on transcript NM_001036.6 (MANE Select); coding-DNA position 14387, T replaced by C.
Protein change: p.Ile4796Thr; replaces isoleucine 4796 with threonine.
Molecular consequence: missense variant.
Genome position (GRCh38, 1-based): chr15:33,861,100, T>C. VCF-style: chr15-33861100-T-C. GRCh37 (hg19) VCF-style: chr15-34153301-T-C.
Other names: c.14372T>C, p.Ile4791Thr (NM_001243996.4); short protein forms I4791T, I4796T.
Identifiers: ClinVar variation 1000578 (VCV001000578.8), dbSNP rs764029640, ClinGen allele CA7462023.

ClinVar aggregate classification (germline): Uncertain significance (1 of 4 stars; one submission).

Conditions:
Epileptic encephalopathy. Identifiers: MedGen C0543888, HP:0200134.

Allele frequency attached by ClinVar (database versions not stated): gnomAD exomes below 0.00001 and 0.00001; ExAC 0.00005.
gnomAD v4.1: 5 of 1,594,114 alleles (0.00031%); highest among the groups gnomAD compares: Non-Finnish European, 0.00043%; no homozygotes.

Submission:

Labcorp Genetics (formerly Invitae), Labcorp
Classification: Uncertain significance for Epileptic encephalopathy. Last evaluated: 2020-07-26. Review status: criteria provided, single submitter. Criteria: Invitae Variant Classification Sherloc (09022015). Collection method: clinical testing. Allele origin: germline.
Comment: In summary, the available evidence is currently insufficient to determine the role of this variant in disease. Therefore, it has been classified as a Variant of Uncertain Significance. Algorithms developed to predict the effect of missense changes on protein structure and function are either unavailable or do not agree on the potential impact of this missense change (SIFT: "Deleterious"; PolyPhen-2: "Possibly Damaging"; Align-GVGD: "Class C0"). This variant has not been reported in the literature in individuals with RYR3-related conditions. This variant is present in population databases (rs764029640, ExAC 0.01%). This sequence change replaces isoleucine with threonine at codon 4796 of the RYR3 protein (p.Ile4796Thr). The isoleucine residue is highly conserved and there is a moderate physicochemical difference between isoleucine and threonine.